The following is an entry in ClinVar:

NM_006892.4(DNMT3B):c.143-3C>T

Gene: DNMT3B (DNA methyltransferase 3 beta; plus strand). Cytogenetic location: 20q11.21.
Variant type: single nucleotide variant.
Coding change: c.143-3C>T on transcript NM_006892.4 (MANE Select); 3 bases into the intron before coding-DNA position 143, C replaced by T.
Molecular consequence: intron variant.
Genome position (GRCh38, 1-based): chr20:32,781,350, C>T. VCF-style: chr20-32781350-C-T. GRCh37 (hg19) VCF-style: chr20-31369156-C-T.
Other names: c.143-3C>T (NM_175848.2, NM_175849.2, NM_001207055.2 and 1 more transcripts); c.179-3C>T (NM_175850.3).
Identifiers: ClinVar variation 1036693 (VCV001036693.4), dbSNP rs768937892, ClinGen allele CA9810071.

ClinVar aggregate classification (germline): Uncertain significance (1 of 4 stars; one submission).

Conditions:
Centromeric instability of chromosomes 1,9 and 16 and immunodeficiency (ICF1). Also called: Immunodeficiency-centromeric instability-facial anomalies; CENTROMERIC INSTABILITY, IMMUNODEFICIENCY SYNDROME; IMMUNE DEFICIENCY, VARIABLE, WITH CENTROMERIC INSTABILITY OF CHROMOSOMES 1, 9, AND 16; IMMUNODEFICIENCY SYNDROME, VARIABLE. Identifiers: Orphanet 2268, MedGen C0398788, MONDO:0000133.

Allele frequency attached by ClinVar (database versions not stated): TOPMed 0.00001.
gnomAD v4.1: 21 of 1,614,156 alleles (0.0013%); highest among the groups gnomAD compares: Non-Finnish European, 0.0016%; no homozygotes.

Submission:

Labcorp Genetics (formerly Invitae), Labcorp
Classification: Uncertain significance for Centromeric instability of chromosomes 1,9 and 16 and immunodeficiency. Last evaluated: 2020-08-15. Review status: criteria provided, single submitter. Criteria: Invitae Variant Classification Sherloc (09022015). Collection method: clinical testing. Allele origin: germline.
Comment: This sequence change falls in intron 2 of the DNMT3B gene. It does not directly change the encoded amino acid sequence of the DNMT3B protein, but it affects a nucleotide within the consensus splice site of the intron. This variant is present in population databases (rs768937892, ExAC 0.003%). This variant has not been reported in the literature in individuals with DNMT3B-related disease. Nucleotide substitutions within the consensus splice site are a relatively common cause of aberrant splicing (PMID: 17576681, 9536098). Algorithms developed to predict the effect of sequence changes on RNA splicing suggest that this variant is not likely to affect RNA splicing, but this prediction has not been confirmed by published transcriptional studies. In summary, the available evidence is currently insufficient to determine the role of this variant in disease. Therefore, it has been classified as a Variant of Uncertain Significance.

Literature cited by the submitters: PubMed 17576681; PubMed 9536098.